The following is an entry in ClinVar:

NM_000465.4(BARD1):c.1139del (p.Asn380fs)

Gene: BARD1 (BRCA1 associated RING domain 1; minus strand). Cytogenetic location: 2q35.
Variant type: Deletion.
Coding change: c.1139del on transcript NM_000465.4 (MANE Select); coding-DNA position 1139, one base deleted (A; older notation c.1139delA).
Protein change: p.Asn380fs; shifts the reading frame from asparagine 380.
Molecular consequence: frameshift variant. On other transcripts: non-coding transcript variant (2), intron variant (3).
Genome position (GRCh38, 1-based): chr2:214,780,735, T deleted on the plus strand (A on the coding strand, the reverse complement: BARD1 is on the minus strand); the first of 5 consecutive T bases (chr2:214,780,735-214,780,739); deleting any one gives the same sequence. VCF-style (leftmost placement, unchanged base first): chr2-214780734-GT-G. GRCh37 (hg19) VCF-style: chr2-215645458-GT-G.
Other names: c.1082del, p.Asn361fs (NM_001282543.2); c.159-28180del (NM_001282548.2); c.215+16326del (NM_001282545.2); c.364+11562del (NM_001282549.2); short protein forms N361fs, N380fs.
Identifiers: ClinVar variation 2584312 (VCV002584312.2), dbSNP rs2106108500, ClinGen allele CA2582342099.

ClinVar aggregate classification (germline): Pathogenic (1 of 4 stars; one submission).

Conditions:
Familial cancer of breast. Also called: BREAST CANCER, FAMILIAL; hereditary breast carcinoma; Hereditary breast cancer. Identifiers: Orphanet 227535, MedGen C0346153, MONDO:0016419, OMIM 114480. Disease mechanism: loss of function.

Submission:

Myriad Genetics, Inc.
Classification: Pathogenic for Familial cancer of breast. Last evaluated: 2023-05-22. Review status: criteria provided, single submitter. Criteria: Myriad Autosomal Dominant, Autosomal Recessive and X-Linked Classification Criteria (2023). Collection method: clinical testing. Allele origin: unknown.
Comment: This variant is considered pathogenic. This variant creates a frameshift predicted to result in premature protein truncation.